The following is an entry in ClinVar:

NM_001065.4(TNFRSF1A):c.626-32G>T

Gene: TNFRSF1A (TNF receptor superfamily member 1A; minus strand). Cytogenetic location: 12p13.31.
Variant type: single nucleotide variant.
Coding change: c.626-32G>T on transcript NM_001065.4 (MANE Select); 32 bases into the intron before coding-DNA position 626, G replaced by T.
Molecular consequence: intron variant.
Genome position (GRCh38, 1-based): chr12:6,330,743, C>A on the plus strand (G>T on the coding strand, the complement: TNFRSF1A is on the minus strand). VCF-style: chr12-6330743-C-A. GRCh37 (hg19) VCF-style: chr12-6439909-C-A.
Other names: c.302-32G>T (NM_001346091.2); c.167-32G>T (NM_001346092.2).
Identifiers: ClinVar variation 701893 (VCV000701893.43), dbSNP rs200415260, ClinGen allele CA6405439.

ClinVar aggregate classification (germline): Benign/Likely benign. Review status: criteria provided, multiple submitters, no conflicts (2 of 4 stars). 4 submissions from 4 submitters: Benign (1); Likely benign (3). Last evaluated 2026-09-01.

Conditions:
TNF receptor-associated periodic fever syndrome (TRAPS) (FPF). Also called: FAMILIAL HIBERNIAN FEVER; TNF RECEPTOR-ASSOCIATED PERIODIC SYNDROME; TUMOR NECROSIS FACTOR RECEPTOR-ASSOCIATED PERIODIC SYNDROME; TNF Receptor-Associated Periodic Fever Syndrome; TNF receptor 1-associated periodic fever syndrome; Autosomal Dominant Familial Periodic Fever. Identifiers: Orphanet 32960, MedGen C1275126, MONDO:0007727, OMIM 142680.

Allele frequency attached by ClinVar (database versions not stated): 1000 Genomes Project 30x 0.00078; 1000 Genomes Project 0.00100; ESP Exome Variant Server 0.00231; TOPMed 0.00236.
gnomAD v4.1: 4,189 of 1,592,478 alleles (0.26%); highest among the groups gnomAD compares: Middle Eastern, 0.45%; 15 homozygotes.

Submissions (4):

CeGaT Center for Human Genetics Tuebingen
Classification: Likely benign. Last evaluated: 2026-09-01. Review status: criteria provided, single submitter. Criteria: CeGaT Center For Human Genetics Tuebingen Variant Classification Criteria Version 2. Collection method: clinical testing. Allele origin: germline. Affected: yes. Observed: 7 variant alleles.
Comment: TNFRSF1A: BS1

Labcorp Genetics (formerly Invitae), Labcorp
Classification: Benign for TNF receptor-associated periodic fever syndrome (TRAPS). Last evaluated: 2025-01-13. Review status: criteria provided, single submitter. Criteria: Invitae Variant Classification Sherloc (09022015). Collection method: clinical testing. Allele origin: germline.

GeneDx
Classification: Likely benign. Last evaluated: 2020-07-29. Review status: criteria provided, single submitter. Criteria: GeneDx Variant Classification Process June 2021. Collection method: clinical testing. Allele origin: germline. Affected: yes.
Comment: This variant is associated with the following publications: (PMID: 29047407)

Breakthrough Genomics
Classification: Likely benign. Review status: criteria provided, single submitter. Criteria: ACMG Guidelines, 2015. Collection method: not provided. Allele origin: germline. Inheritance: Autosomal dominant inheritance. Affected: yes.